The following continues an entry in ClinVar:

NM_015426.5(POC1A):c.649C>T (p.Arg217Trp)

Gene: POC1A. ClinVar aggregate classification (germline): Conflicting classifications of pathogenicity. Pathogenic (4); Likely pathogenic (4); Uncertain significance (1).

Submissions 8 to 9 of 9:

Laboratorio de Genomica, Unidad de Medicina Traslacional, Hospital de Ninos R. Gutierrez
Classification: Likely pathogenic for Short stature-onychodysplasia-facial dysmorphism-hypotrichosis syndrome. Last evaluated: 2023-01-30. Review status: criteria provided, single submitter. Criteria: ACMG Guidelines, 2015. Collection method: clinical testing. Allele origin: germline. Inheritance: Autosomal recessive inheritance. Affected: yes. Observed: 1 homozygote.
Comment: This sequence change replaces arginine with tryptophan at codon 217 of the POC1A protein (NP_056241.3:p.Arg217Trp). There is a moderate physicochemical difference between arginine and tryptophan. This variant is present in population databases (rs372247136). This variant has also been reported in other individual(s) with short stature, onychodysplasia, facial dysmorphism, hypotrichosis syndrome as homozygous or compound heterozygous along with a likely pathogenic variant (PMID: 30569574, PMID: 35234134). Web-based in silico software predicted POC1A variant (NM_001161580.1:c.649C>T, NP_056241.3:p. Arg217Trp) of the patient to be pathogenic, with a predicted value of 0 (deleterious) in SIFT (Kumar, Henikoff, & Ng, 2009), 1 (probably damaging) in PolyPhen-2 (Adzhubei et al., 2010) , 33 (>20) in CADD score (Kircher et al., 2014) and 0.66 in REVEL score (Ioannidis NM et al., 2016). The Arginine 217 is conserved along several species: H.sapiens, B.taurus, M.musculus, X.tropicalis, D.rerio. In summary, the available evidence supports the classification of this variant as Likely Pathogenic (PM2_supporting, PP3_supporting, PM3_strong) according to ACMG criteria and the recommendations of the ClinGen Sequence Variant Interpretation Working Group (SVI WG).

Blueprint Genetics
Classification: Uncertain significance. Last evaluated: 2023-01-25. Review status: criteria provided, single submitter. Criteria: ACMG Guidelines, 2015. Collection method: clinical testing. Allele origin: germline.

Literature cited by the submitters: PubMed 30569574 (cited by 4 submitters); PubMed 40844121 (cited by Centro Nacional de Genética Medica, Administración Nacional de Laboratorios e Institutos de Salud (ANLIS) “Dr. Carlos G Malbrán”); PubMed 26582918 (cited by Centro Nacional de Genética Medica, Administración Nacional de Laboratorios e Institutos de Salud (ANLIS) “Dr. Carlos G Malbrán”); PubMed 39017987 (cited by Centro Nacional de Genética Medica, Administración Nacional de Laboratorios e Institutos de Salud (ANLIS) “Dr. Carlos G Malbrán”); PubMed 34627339 (cited by Women's Health and Genetics/Laboratory Corporation of America, LabCorp); PubMed 35234134 (cited by Women's Health and Genetics/Laboratory Corporation of America, LabCorp).